The following is an entry in ClinVar:

ClinVar aggregate classification (germline): Uncertain significance (1 of 4 stars; one submission).

Allele frequency attached by ClinVar (database versions not stated): TOPMed below 0.00001.
gnomAD v4.1: 1 of 1,614,206 alleles (0.000062%); highest among the groups gnomAD compares: Non-Finnish European, 0.000085%; no homozygotes.

Submission:

GeneDx
Classification: Uncertain significance. Last evaluated: 2022-01-11. Review status: criteria provided, single submitter. Criteria: GeneDx Variant Classification Process June 2021. Collection method: clinical testing. Allele origin: germline. Affected: yes.
Comment: Not observed at significant frequency in large population cohorts (gnomAD); In silico analysis supports that this missense variant has a deleterious effect on protein structure/function; Has not been previously published as pathogenic or benign to our knowledge

NM_001352754.2(ARMC9):c.1139T>A (p.Leu380Gln)

Gene: ARMC9 (armadillo repeat containing 9; plus strand). Cytogenetic location: 2q37.1.
Variant type: single nucleotide variant.
Coding change: c.1139T>A on transcript NM_001352754.2 (MANE Select); coding-DNA position 1139, T replaced by A.
Protein change: p.Leu380Gln; replaces leucine 380 with glutamine.
Molecular consequence: missense variant. On other transcripts: non-coding transcript variant (1).
Genome position (GRCh38, 1-based): chr2:231,271,001, T>A. VCF-style: chr2-231271001-T-A. GRCh37 (hg19) VCF-style: chr2-232135714-T-A.
Other names: c.1139T>A, p.Leu380Gln (NM_001271466.4, NM_001291656.2, NM_001352755.2 and 3 more transcripts); c.1040T>A, p.Leu347Gln (NM_001352757.2, NM_001352758.2); short protein forms L347Q, L380Q.
Identifiers: ClinVar variation 1698104 (VCV001698104.2), dbSNP rs1366623589, ClinGen allele CA350953531.